The following is an entry in ClinVar:

NM_006031.6(PCNT):c.9307A>T (p.Thr3103Ser)

Gene: PCNT (pericentrin; plus strand). Cytogenetic location: 21q22.3.
Variant type: single nucleotide variant.
Coding change: c.9307A>T on transcript NM_006031.6 (MANE Select); coding-DNA position 9307, A replaced by T.
Protein change: p.Thr3103Ser; replaces threonine 3103 with serine.
Molecular consequence: missense variant.
Genome position (GRCh38, 1-based): chr21:46,440,116, A>T. VCF-style: chr21-46440116-A-T. GRCh37 (hg19) VCF-style: chr21-47860029-A-T.
Other names: c.8716A>T, p.Thr2906Ser (NM_001315529.2); short protein forms T2906S, T3103S.
Identifiers: ClinVar variation 1506092 (VCV001506092.8), dbSNP rs762519501, ClinGen allele CA10081284.

ClinVar aggregate classification (germline): Uncertain significance (1 of 4 stars; one submission).

Allele frequency attached by ClinVar (database versions not stated): gnomAD exomes 0.00001 and 0.00002; TOPMed below 0.00001; ExAC 0.00002.
gnomAD v4.1: 4 of 1,614,090 alleles (0.00025%); highest among the groups gnomAD compares: Admixed American, 0.0067%; no homozygotes.

Submission:

Labcorp Genetics (formerly Invitae), Labcorp
Classification: Uncertain significance. Last evaluated: 2025-06-20. Review status: criteria provided, single submitter. Criteria: Invitae Variant Classification Sherloc (09022015). Collection method: clinical testing. Allele origin: germline.
Comment: This sequence change replaces threonine, which is neutral and polar, with serine, which is neutral and polar, at codon 3103 of the PCNT protein (p.Thr3103Ser). This variant is present in population databases (rs762519501, gnomAD 0.01%). This variant has not been reported in the literature in individuals affected with PCNT-related conditions. ClinVar contains an entry for this variant (Variation ID: 1506092). An algorithm developed to predict the effect of missense changes on protein structure and function outputs the following: PolyPhen-2: "Possibly Damaging". The serine amino acid residue is found in multiple mammalian species, which suggests that this missense change does not adversely affect protein function. In summary, the available evidence is currently insufficient to determine the role of this variant in disease. Therefore, it has been classified as a Variant of Uncertain Significance.